The following is an entry in ClinVar:

ClinVar aggregate classification (germline): Pathogenic (1 of 4 stars; one submission).

Conditions:
Polyglucosan body myopathy type 1 (PGBM1). Also called: POLYGLUCOSAN BODY MYOPATHY WITHOUT IMMUNODEFICIENCY; Polyglucosan body myopathy 1 with or without immunodeficiency. Identifiers: Orphanet 329173, Orphanet 397937, MedGen C4014605, MONDO:0014389, OMIM 615895.

Allele frequency attached by ClinVar (database versions not stated): gnomAD exomes below 0.00001; gnomAD 0.00001.
gnomAD v4.1: 3 of 1,614,066 alleles (0.00019%); highest among the groups gnomAD compares: South Asian, 0.0011%; no homozygotes.

Submission:

Labcorp Genetics (formerly Invitae), Labcorp
Classification: Pathogenic for Polyglucosan body myopathy type 1. Last evaluated: 2023-07-08. Review status: criteria provided, single submitter. Criteria: Invitae Variant Classification Sherloc (09022015). Collection method: clinical testing. Allele origin: germline.
Comment: This sequence change creates a premature translational stop signal (p.Trp379*) in the RBCK1 gene. It is expected to result in an absent or disrupted protein product. Loss-of-function variants in RBCK1 are known to be pathogenic (PMID: 2379848, 23104095, 23889995). This variant is not present in population databases (gnomAD no frequency). This variant has not been reported in the literature in individuals affected with RBCK1-related conditions. Algorithms developed to predict the effect of sequence changes on RNA splicing suggest that this variant may disrupt the consensus splice site. For these reasons, this variant has been classified as Pathogenic.

Literature cited by the submitters: PubMed 2379848; PubMed 23104095; PubMed 23889995.

NM_031229.4(RBCK1):c.1136G>A (p.Trp379Ter)

Gene: RBCK1 (RANBP2-type and C3HC4-type zinc finger containing 1; plus strand). Cytogenetic location: 20p13.
Variant type: single nucleotide variant.
Coding change: c.1136G>A on transcript NM_031229.4 (MANE Select); coding-DNA position 1136, G replaced by A.
Protein change: p.Trp379Ter; replaces tryptophan 379 with a stop codon.
Molecular consequence: nonsense. On other transcripts: non-coding transcript variant (1).
Genome position (GRCh38, 1-based): chr20:427,419, G>A. VCF-style: chr20-427419-G-A. GRCh37 (hg19) VCF-style: chr20-408063-G-A.
Other names: c.626G>A, p.Trp209Ter (NM_001323956.2, NM_001323958.2); c.1187G>A, p.Trp396Ter (NM_001410770.1); c.1010G>A, p.Trp337Ter (NM_006462.6); short protein forms W379*, W209*, W337*, W396*.
Identifiers: ClinVar variation 2738369 (VCV002738369.3), dbSNP rs2016789960, ClinGen allele CA407934634.
Genomic context (GRCh38, chr20:427,419, plus strand): 5'-CCATTGCTGAAAACCGCAGTGCCTTCAGCTACCATTGCAAGACCCCAGATTGCAAGGGAT[G>A]GTGCTTCTTTGAGGATGATGTCAATGAGTTCACCTGCCCTGTGTGTTTCCACGTCAACTG-3'